The following is an entry in ClinVar:

ClinVar aggregate classification (germline): Uncertain significance (1 of 4 stars; one submission).

Submission:

GeneDx
Classification: Uncertain significance. Last evaluated: 2025-07-30. Review status: criteria provided, single submitter. Criteria: GeneDx Variant Classification Process June 2021. Collection method: clinical testing. Allele origin: germline. Affected: yes.
Comment: Not observed at significant frequency in large population cohorts (gnomAD); In silico analysis supports that this missense variant has a deleterious effect on protein structure/function; Has not been previously published as pathogenic or benign to our knowledge

NM_031407.7(HUWE1):c.4004C>G (p.Ala1335Gly)

Gene: HUWE1 (HECT, UBA and WWE domain containing E3 ubiquitin protein ligase 1; minus strand). Cytogenetic location: Xp11.22.
Variant type: single nucleotide variant.
Coding change: c.4004C>G on transcript NM_031407.7 (MANE Select); coding-DNA position 4004, C replaced by G.
Protein change: p.Ala1335Gly; replaces alanine 1335 with glycine.
Molecular consequence: missense variant.
Genome position (GRCh38, 1-based): chrX:53,591,091, G>C on the plus strand (C>G on the coding strand, the complement: HUWE1 is on the minus strand). VCF-style: chrX-53591091-G-C. GRCh37 (hg19) VCF-style: chrX-53618051-G-C.
Other names: short protein forms A1335G.
Identifiers: ClinVar variation 1327366 (VCV001327366.3), dbSNP rs2064132185, ClinGen allele CA413177355.